The following is an entry in ClinVar:

ClinVar aggregate classification (germline): Likely pathogenic (1 of 4 stars; one submission).

Conditions:
Mucopolysaccharidosis, MPS-III-A (MPS3A). Also called: HEPARAN SULFATE SULFATASE DEFICIENCY; SANFILIPPO SYNDROME A; SULFAMIDASE DEFICIENCY; MPS III A; MPS IIIA (Sanfilippo Syndrome Type A); Mucopolysaccharidosis type IIIA (Sanfilippo A). Identifiers: Orphanet 581, Orphanet 79269, MedGen C0086647, MONDO:0009655, OMIM 252900.

Allele frequency attached by ClinVar (database versions not stated): gnomAD 0.00002; gnomAD exomes 0.00001; TOPMed 0.00003.
gnomAD v4.1: 11 of 1,612,318 alleles (0.00068%); highest among the groups gnomAD compares: Admixed American, 0.0067%; no homozygotes.

Submission:

Labcorp Genetics (formerly Invitae), Labcorp
Classification: Likely pathogenic for Mucopolysaccharidosis, MPS-III-A. Last evaluated: 2023-05-22. Review status: criteria provided, single submitter. Criteria: Invitae Variant Classification Sherloc (09022015). Collection method: clinical testing. Allele origin: germline.
Comment: ClinVar contains an entry for this variant (Variation ID: 1500430). This variant has not been reported in the literature in individuals affected with SGSH-related conditions. This variant is present in population databases (no rsID available, gnomAD 0.003%). This sequence change replaces phenylalanine, which is neutral and non-polar, with leucine, which is neutral and non-polar, at codon 101 of the SGSH protein (p.Phe101Leu). Advanced modeling of protein sequence and biophysical properties (such as structural, functional, and spatial information, amino acid conservation, physicochemical variation, residue mobility, and thermodynamic stability) has been performed at Invitae for this missense variant, however the output from this modeling did not meet the statistical confidence thresholds required to predict the impact of this variant on SGSH protein function. In summary, the currently available evidence indicates that the variant is pathogenic, but additional data are needed to prove that conclusively. Therefore, this variant has been classified as Likely Pathogenic. This variant disrupts the p.Phe101 amino acid residue in SGSH. Other variant(s) that disrupt this residue have been determined to be pathogenic (PMID: 28283807). This suggests that this residue is clinically significant, and that variants that disrupt this residue are likely to be disease-causing.

Literature cited by the submitters: PubMed 28283807.

NM_000199.5(SGSH):c.301T>C (p.Phe101Leu)

Gene: SGSH (N-sulfoglucosamine sulfohydrolase; minus strand). Cytogenetic location: 17q25.3.
Variant type: single nucleotide variant.
Coding change: c.301T>C on transcript NM_000199.5 (MANE Select); coding-DNA position 301, T replaced by C.
Protein change: p.Phe101Leu; replaces phenylalanine 101 with leucine.
Molecular consequence: missense variant.
Genome position (GRCh38, 1-based): chr17:80,215,087, A>G on the plus strand (T>C on the coding strand, the complement: SGSH is on the minus strand). VCF-style: chr17-80215087-A-G. GRCh37 (hg19) VCF-style: chr17-78188886-A-G.
Other names: c.301T>C, p.Phe101Leu (NM_001352921.3, NM_001352922.2); short protein forms F101L.
Identifiers: ClinVar variation 1500430 (VCV001500430.8), dbSNP rs1322090067, ClinGen allele CA401363772.
Genomic context (GRCh38, chr17:80,215,087, plus strand): 5'-CCTCACCTGTGCGCACACCAGCTTGGCTGAGCAGCAGCGGCAGGCTCCGCACCTTGTCGA[A>G]GGAGTTGAAGTGGTGCACGTCCTGGTGCAGCCCGTACATCCCATTCTGATGCTGCCAGCA-3'
Protein context (NP_000190.1, residues 91-111): LHQDVHHFNS[Phe101Leu]DKVRSLPLLL